The following is an entry in ClinVar:

ClinVar aggregate classification (germline): Uncertain significance (1 of 4 stars; one submission).

Submission:

Labcorp Genetics (formerly Invitae), Labcorp
Classification: Uncertain significance. Last evaluated: 2023-06-29. Review status: criteria provided, single submitter. Criteria: Invitae Variant Classification Sherloc (09022015). Collection method: clinical testing. Allele origin: germline.
Comment: In summary, the available evidence is currently insufficient to determine the role of this variant in disease. Therefore, it has been classified as a Variant of Uncertain Significance. This variant has not been reported in the literature in individuals affected with ARHGEF10-related conditions. This variant is a gross deletion of the genomic region encompassing exon(s) 2-11 of the ARHGEF10 gene, which includes the initiator codon. This deletion extends beyond the assayed region for this gene and therefore may encompass additional genes. It is expected to result in an absent or disrupted protein product. However, the current clinical and genetic evidence is not sufficient to establish whether loss-of-function variants in ARHGEF10 cause disease.

NC_000008.10:g.(?_1791566)_(1833893_?)del

Gene: ARHGEF10 (Rho guanine nucleotide exchange factor 10; plus strand). Cytogenetic location: 8p23.3.
Variant type: Deletion.
Identifiers: ClinVar variation 1426290 (VCV001426290.5).